The following is an entry in ClinVar:

ClinVar aggregate classification (germline): Uncertain significance. Review status: criteria provided, multiple submitters, no conflicts (2 of 4 stars). 3 submissions from 3 submitters: Uncertain significance (3). Last evaluated 2024-10-18.

Conditions:
Hereditary cancer-predisposing syndrome. Also called: Neoplastic Syndromes, Hereditary; Tumor predisposition; Hereditary Cancer Syndrome; Hereditary neoplastic syndrome. Identifiers: Orphanet 140162, MedGen C0027672, MeSH D009386, MONDO:0015356.
Familial cancer of breast. Also called: BREAST CANCER, FAMILIAL; Hereditary breast cancer; hereditary breast carcinoma. Identifiers: Orphanet 227535, MedGen C0346153, MONDO:0016419, OMIM 114480. Disease mechanism: loss of function.

gnomAD v4.1: 3 of 1,611,186 alleles (0.00019%); highest among the groups gnomAD compares: Non-Finnish European, 0.00017%; no homozygotes.

Submissions (3):

Labcorp Genetics (formerly Invitae), Labcorp
Classification: Uncertain significance for Familial cancer of breast. Last evaluated: 2024-10-18. Review status: criteria provided, single submitter. Criteria: Invitae Variant Classification Sherloc (09022015). Collection method: clinical testing. Allele origin: germline.
Comment: This sequence change replaces valine, which is neutral and non-polar, with methionine, which is neutral and non-polar, at codon 335 of the CHEK2 protein (p.Val335Met). The frequency data for this variant in the population databases is considered unreliable, as metrics indicate poor data quality at this position in the gnomAD database. This variant has not been reported in the literature in individuals affected with CHEK2-related conditions. ClinVar contains an entry for this variant (Variation ID: 142375). An algorithm developed to predict the effect of missense changes on protein structure and function (PolyPhen-2) suggests that this variant is likely to be disruptive. In summary, the available evidence is currently insufficient to determine the role of this variant in disease. Therefore, it has been classified as a Variant of Uncertain Significance.

Ambry Genetics
Classification: Uncertain significance for Hereditary cancer-predisposing syndrome. Last evaluated: 2024-08-07. Review status: criteria provided, single submitter. Criteria: Ambry Variant Classification Scheme 2023. Collection method: clinical testing. Allele origin: germline.
Comment: The p.V335M variant (also known as c.1003G>A), located in coding exon 8 of the CHEK2 gene, results from a G to A substitution at nucleotide position 1003. The valine at codon 335 is replaced by methionine, an amino acid with highly similar properties. This amino acid position is highly conserved in available vertebrate species. In addition, the in silico prediction for this alteration is inconclusive. Based on the available evidence, the clinical significance of this variant remains unclear.

Baylor Genetics
Classification: Uncertain significance for Familial cancer of breast. Last evaluated: 2024-02-10. Review status: criteria provided, single submitter. Criteria: ACMG Guidelines, 2015. Collection method: clinical testing. Allele origin: unknown.

NM_007194.4(CHEK2):c.1003G>A (p.Val335Met)

Gene: CHEK2 (checkpoint kinase 2; minus strand). Cytogenetic location: 22q12.1.
Variant type: single nucleotide variant.
Coding change: c.1003G>A on transcript NM_007194.4 (MANE Select); coding-DNA position 1003, G replaced by A.
Protein change: p.Val335Met; replaces valine 335 with methionine.
Molecular consequence: missense variant.
Genome position (GRCh38, 1-based): chr22:28,699,843, C>T on the plus strand (G>A on the coding strand, the complement: CHEK2 is on the minus strand). VCF-style: chr22-28699843-C-T. GRCh37 (hg19) VCF-style: chr22-29095831-C-T.
Other names: c.1132G>A, p.Val378Met (NM_001005735.3); c.340G>A, p.Val114Met (NM_001257387.3); c.802G>A, p.Val268Met (NM_001349956.3); c.1003G>A, p.Val335Met (NM_145862.3); short protein forms V335M, V114M, V268M, V378M.
Identifiers: ClinVar variation 142375 (VCV000142375.19), dbSNP rs563752762, ClinGen allele CA168188.